The following is an entry in ClinVar:

ClinVar aggregate classification (germline): Uncertain significance (1 of 4 stars; one submission).

Submission:

GeneDx
Classification: Uncertain significance. Last evaluated: 2017-03-20. Review status: criteria provided, single submitter. Criteria: GeneDx Variant Classification (06012015). Collection method: clinical testing. Allele origin: germline. Affected: yes.
Comment: A variant of uncertain significance has been identified in the COL5A1 gene. The G1255D variant has not been published as pathogenic or been reported as benign to our knowledge. Additionally, this variant is not observed in large population cohorts (Lek et al., 2016; 1000 Genomes Consortium et al., 2015; Exome Variant Server). The G1255D variant is a non-conservative amino acid substitution, which is likely to impact secondary protein structure as these residues differ in polarity, charge, size and/or other properties. This substitution occurs at a position that is conserved across species and in silico analysis predicts this variant is probably damaging to the protein structure/function. Furthermore, G1255D affects a Glycine residue in a Gly-X-Y motif in the triple helical region of the COL5A1 gene, where the majority of pathogenic missense variants occur (Stenson et al., 2014; Symoens et al., 2012). Nevertheless, this variant lacks observation in a significant number of affected individuals, segregation data, and functional evidence, which would further clarify its pathogenicity.

NM_000093.5(COL5A1):c.3764G>A (p.Gly1255Asp)

Gene: COL5A1 (collagen type V alpha 1 chain; plus strand). Cytogenetic location: 9q34.3.
Variant type: single nucleotide variant.
Coding change: c.3764G>A on transcript NM_000093.5 (MANE Select); coding-DNA position 3764, G replaced by A.
Protein change: p.Gly1255Asp; replaces glycine 1255 with aspartic acid.
Molecular consequence: missense variant.
Genome position (GRCh38, 1-based): chr9:134,812,624, G>A. VCF-style: chr9-134812624-G-A. GRCh37 (hg19) VCF-style: chr9-137704470-G-A.
Other names: c.3764G>A, p.Gly1255Asp (NM_001278074.1); short protein forms G1255D.
Identifiers: ClinVar variation 424456 (VCV000424456.2), dbSNP rs1064796975, ClinGen allele CA16618788.